The following is an entry in ClinVar:

NM_016373.4(WWOX):c.518A>G (p.His173Arg)

Gene: WWOX (WW domain containing oxidoreductase; plus strand). Cytogenetic location: 16q23.1.
Variant type: single nucleotide variant.
Coding change: c.518A>G on transcript NM_016373.4 (MANE Select); coding-DNA position 518, A replaced by G.
Protein change: p.His173Arg; replaces histidine 173 with arginine.
Molecular consequence: missense variant.
Genome position (GRCh38, 1-based): chr16:78,386,861, A>G. VCF-style: chr16-78386861-A-G. GRCh37 (hg19) VCF-style: chr16-78420758-A-G.
Other names: c.179A>G, p.His60Arg (NM_001291997.2); c.518A>G (NM_016373.2); short protein forms H60R, H173R.
Identifiers: ClinVar variation 1389944 (VCV001389944.8), dbSNP rs770595933, ClinGen allele CA8183316.

ClinVar aggregate classification (germline): Uncertain significance. Review status: criteria provided, multiple submitters, no conflicts (2 of 4 stars). 3 submissions from 3 submitters: Uncertain significance (3). Last evaluated 2025-04-03.

Conditions:
Inborn genetic diseases. Identifiers: MedGen C0950123, MeSH D030342.
Developmental and epileptic encephalopathy, 1 (DEE1). Also called: X-linked infantile spasms; West's syndrome; Tonic spasms with clustering, arrest of psychomotor development and hypsarrhythmia on EEG; X-Linked Infantile Spasm Syndrome; OHTAHARA SYNDROME, X-LINKED; Epileptic encephalopathy, early infantile, 1. Identifiers: MedGen C3463992, MONDO:0010632, OMIM 308350. Disease mechanism: loss of function.
Autosomal recessive spinocerebellar ataxia 12. Also called: SPINOCEREBELLAR ATAXIA WITH MENTAL RETARDATION AND EPILEPSY. Identifiers: Orphanet 284282, MedGen C3280452, MONDO:0013687, OMIM 614322.

Allele frequency attached by ClinVar (database versions not stated): ExAC 0.00001; gnomAD exomes 0.00001; TOPMed 0.00001.
gnomAD v4.1: 15 of 1,613,880 alleles (0.00093%); highest among the groups gnomAD compares: Admixed American, 0.0017%; no homozygotes.

Submissions (3):

Labcorp Genetics (formerly Invitae), Labcorp
Classification: Uncertain significance for Developmental and epileptic encephalopathy, 1; Autosomal recessive spinocerebellar ataxia 12. Last evaluated: 2025-04-03. Review status: criteria provided, single submitter. Criteria: Invitae Variant Classification Sherloc (09022015). Collection method: clinical testing. Allele origin: germline.
Comment: This sequence change replaces histidine, which is basic and polar, with arginine, which is basic and polar, at codon 173 of the WWOX protein (p.His173Arg). This variant is present in population databases (rs770595933, gnomAD 0.002%). This variant has not been reported in the literature in individuals affected with WWOX-related conditions. ClinVar contains an entry for this variant (Variation ID: 1389944). An algorithm developed to predict the effect of missense changes on protein structure and function outputs the following: PolyPhen-2: "Benign". The arginine amino acid residue is found in multiple mammalian species, which suggests that this missense change does not adversely affect protein function. In summary, the available evidence is currently insufficient to determine the role of this variant in disease. Therefore, it has been classified as a Variant of Uncertain Significance.

Ambry Genetics
Classification: Uncertain significance for Inborn genetic diseases. Last evaluated: 2024-12-10. Review status: criteria provided, single submitter. Criteria: Ambry Variant Classification Scheme 2023. Collection method: clinical testing. Allele origin: germline.

Blueprint Genetics
Classification: Uncertain significance. Last evaluated: 2024-06-03. Review status: criteria provided, single submitter. Criteria: ACMG Guidelines, 2015. Collection method: clinical testing. Allele origin: germline.